The following is an entry in ClinVar:

ClinVar aggregate classification (germline): Pathogenic (1 of 4 stars; one submission).

Conditions:
Neurodevelopmental disorder with or without autism or seizures (NEDAUS). Identifiers: MedGen C5543225, MONDO:0030994, OMIM 619239.

Submission:

MGZ Medical Genetics Center
Classification: Pathogenic for Neurodevelopmental disorder with or without autism or seizures. Last evaluated: 2021-12-09. Review status: criteria provided, single submitter. Criteria: ACMG Guidelines, 2015. Collection method: clinical testing. Allele origin: germline. Affected: yes. Observed: 1 variant allele.
Comment: ACMG criteria applied: PVS1, PS2_MOD, PM2_SUP

NM_003590.5(CUL3):c.1035_1036dup (p.Leu346fs)

Gene: CUL3 (cullin 3; minus strand). Cytogenetic location: 2q36.2.
Variant type: Duplication.
Coding change: c.1035_1036dup on transcript NM_003590.5 (MANE Select); coding-DNA positions 1035 to 1036, 2 bases duplicated (AT; older notation c.1035_1036dupAT).
Protein change: p.Leu346fs; shifts the reading frame from leucine 346.
Molecular consequence: frameshift variant.
Genome position (GRCh38, 1-based): chr2:224,506,126-224,506,127, AT duplicated on the plus strand (AT on the coding strand, the reverse complement: CUL3 is on the minus strand); duplicating any 2 consecutive bases within chr2:224,506,126-224,506,128 gives the same sequence; the c. name uses the placement nearest the transcript's 3' end. VCF-style (leftmost placement, unchanged base first): chr2-224506125-A-AAT. GRCh37 (hg19) VCF-style: chr2-225370842-A-AAT.
Other names: c.837_838dup, p.Leu280fs (NM_001257197.2); c.1053_1054dup, p.Leu352fs (NM_001257198.2); short protein forms L280fs, L346fs, L352fs.
Identifiers: ClinVar variation 1709001 (VCV001709001.2), dbSNP rs2469982052, ClinGen allele CA2580065946.